The following is an entry in ClinVar:

ClinVar aggregate classification (germline): Uncertain significance. Review status: criteria provided, multiple submitters, no conflicts (2 of 4 stars). 2 submissions from 2 submitters: Uncertain significance (2). Last evaluated 2025-04-08.

Conditions:
Inborn genetic diseases. Identifiers: MedGen C0950123, MeSH D030342.
Familial cold autoinflammatory syndrome 2 (FCAS2). Identifiers: Orphanet 247868, MedGen C2673198, MONDO:0012724, OMIM 611762.

gnomAD v4.1: 25 of 1,614,096 alleles (0.0015%); highest among the groups gnomAD compares: East Asian, 0.018%; no homozygotes.

Submissions (2):

Ambry Genetics
Classification: Uncertain significance for Inborn genetic diseases. Last evaluated: 2025-04-08. Review status: criteria provided, single submitter. Criteria: Ambry Variant Classification Scheme 2023. Collection method: clinical testing. Allele origin: germline.

Labcorp Genetics (formerly Invitae), Labcorp
Classification: Uncertain significance for Familial cold autoinflammatory syndrome 2. Last evaluated: 2023-09-27. Review status: criteria provided, single submitter. Criteria: Invitae Variant Classification Sherloc (09022015). Collection method: clinical testing. Allele origin: germline.
Comment: In summary, the available evidence is currently insufficient to determine the role of this variant in disease. Therefore, it has been classified as a Variant of Uncertain Significance. Advanced modeling of protein sequence and biophysical properties (such as structural, functional, and spatial information, amino acid conservation, physicochemical variation, residue mobility, and thermodynamic stability) performed at Invitae indicates that this missense variant is expected to disrupt NLRP12 protein function. This variant has not been reported in the literature in individuals affected with NLRP12-related conditions. This variant is present in population databases (rs139082917, gnomAD 0.06%), and has an allele count higher than expected for a pathogenic variant. This sequence change replaces glutamic acid, which is acidic and polar, with glutamine, which is neutral and polar, at codon 619 of the NLRP12 protein (p.Glu619Gln).

NM_144687.4(NLRP12):c.1855G>C (p.Glu619Gln)

Gene: NLRP12 (NLR family pyrin domain containing 12; minus strand). Cytogenetic location: 19q13.42.
Variant type: single nucleotide variant.
Coding change: c.1855G>C on transcript NM_144687.4 (MANE Select); coding-DNA position 1855, G replaced by C.
Protein change: p.Glu619Gln; replaces glutamic acid 619 with glutamine.
Molecular consequence: missense variant.
Genome position (GRCh38, 1-based): chr19:53,809,804, C>G on the plus strand (G>C on the coding strand, the complement: NLRP12 is on the minus strand). VCF-style: chr19-53809804-C-G. GRCh37 (hg19) VCF-style: chr19-54313058-C-G.
Other names: c.1855G>C, p.Glu619Gln (NM_001277126.2, NM_001277129.1); c.1855G>C (NM_144687.2); short protein forms E619Q.
Identifiers: ClinVar variation 2738035 (VCV002738035.4), dbSNP rs139082917, ClinGen allele CA9639333.